The following is an entry in ClinVar:

ClinVar aggregate classification (germline): Benign. Review status: criteria provided, multiple submitters, no conflicts (2 of 4 stars). 4 submissions from 4 submitters: Benign (3). 1 of the submissions does not count toward it. Last evaluated 2026-01-28.

Conditions:
SETBP1-related disorder. Also called: SETBP1-related condition; SETBP1-related disorders.
Schinzel-Giedion syndrome (SGS). Identifiers: Orphanet 798, MedGen C0265227, MONDO:0010010, OMIM 269150.

Allele frequency attached by ClinVar (database versions not stated): gnomAD exomes 0.00010 and 0.00024; ExAC 0.00032; ESP Exome Variant Server 0.00085; gnomAD 0.00113 and 0.00122; TOPMed 0.00118; 1000 Genomes Project 0.00180; 1000 Genomes Project 30x 0.00187.
gnomAD v4.1: 326 of 1,613,946 alleles (0.02%); highest among the groups gnomAD compares: African/African-American, 0.39%; 3 homozygotes.

Submissions (4):

Labcorp Genetics (formerly Invitae), Labcorp
Classification: Benign. Last evaluated: 2026-01-28. Review status: criteria provided, single submitter. Criteria: Invitae Variant Classification Sherloc (09022015). Collection method: clinical testing. Allele origin: germline.

KCCC/NGS Laboratory, Kuwait Cancer Control Center
Classification: Benign for Schinzel-Giedion syndrome. Last evaluated: 2025-02-01. Review status: criteria provided, single submitter. Criteria: ACMG Guidelines, 2015. Collection method: clinical testing. Allele origin: germline. Affected: no.

GeneDx
Classification: Benign. Last evaluated: 2020-06-16. Review status: criteria provided, single submitter. Criteria: GeneDx Variant Classification Process June 2021. Collection method: clinical testing. Allele origin: germline. Affected: yes.

PreventionGenetics, part of Exact Sciences
Classification: Likely benign for SETBP1-related condition. Last evaluated: 2019-12-03. Review status: no assertion criteria provided. Collection method: clinical testing. Allele origin: germline. Not counted in ClinVar's aggregate classification.
Comment: This variant is classified as likely benign based on ACMG/AMP sequence variant interpretation guidelines (Richards et al. 2015 PMID: 25741868, with internal and published modifications).

NM_015559.3(SETBP1):c.3237T>C (p.Leu1079=)

Gene: SETBP1 (SET binding protein 1; plus strand). Cytogenetic location: 18q12.3.
Variant type: single nucleotide variant.
Coding change: c.3237T>C on transcript NM_015559.3 (MANE Select); coding-DNA position 3237, T replaced by C.
Protein change: p.Leu1079=; no amino-acid change (leucine 1079 retained).
Molecular consequence: synonymous variant.
Genome position (GRCh38, 1-based): chr18:44,952,577, T>C. VCF-style: chr18-44952577-T-C. GRCh37 (hg19) VCF-style: chr18-42532542-T-C.
Other names: c.3237T>C, p.Leu1079= (LRG_1150t1).
Identifiers: ClinVar variation 326750 (VCV000326750.15), dbSNP rs150875847, ClinGen allele CA8945872.